The following is an entry in ClinVar:

ClinVar aggregate classification (germline): Pathogenic (1 of 4 stars; one submission).

Conditions:
Neurofibromatosis, type 1 (NF1). Also called: VON RECKLINGHAUSEN DISEASE; NEUROFIBROMATOSIS, TYPE I, SOMATIC; Neurofibromatosis, type I; Peripheral type neurofibromatosis. Identifiers: Orphanet 636, MedGen C0027831, MONDO:0018975, OMIM 162200. Disease mechanism: loss of function.

Submission:

Labcorp Genetics (formerly Invitae), Labcorp
Classification: Pathogenic for Neurofibromatosis, type 1. Last evaluated: 2023-01-20. Review status: criteria provided, single submitter. Criteria: Invitae Variant Classification Sherloc (09022015). Collection method: clinical testing. Allele origin: germline.
Comment: This sequence change creates a premature translational stop signal (p.Ser947Profs*7) in the NF1 gene. It is expected to result in an absent or disrupted protein product. Loss-of-function variants in NF1 are known to be pathogenic (PMID: 10712197, 23913538). For these reasons, this variant has been classified as Pathogenic. This variant has not been reported in the literature in individuals affected with NF1-related conditions. This variant is not present in population databases (gnomAD no frequency).

Literature cited by the submitters: PubMed 10712197; PubMed 23913538.

NM_001042492.3(NF1):c.2839del (p.Ser947fs)

Gene: NF1 (neurofibromin 1; plus strand). Cytogenetic location: 17q11.2.
Variant type: Deletion.
Coding change: c.2839del on transcript NM_001042492.3 (MANE Select); coding-DNA position 2839, one base deleted (T; older notation c.2839delT).
Protein change: p.Ser947fs; shifts the reading frame from serine 947.
Molecular consequence: frameshift variant.
Genome position (GRCh38, 1-based): chr17:31,229,454, T deleted. VCF-style (leftmost placement, unchanged base first): chr17-31229453-CT-C. GRCh37 (hg19) VCF-style: chr17-29556471-CT-C.
Other names: c.2839delT, p.Ser947Profs (NM_000267.4); short protein forms S947fs.
Identifiers: ClinVar variation 2830546 (VCV002830546.3), dbSNP rs2508189609, ClinGen allele CA2739267361.
Genomic context (GRCh38, chr17:31,229,453, plus strand): 5'-TCCTGCTCTGTATCCAATGCTATTTAACAAATTGAAGAATACCATCAGCAAGTTTTTTGA[CT>C]CCCAAGGACAGGTAAAGTGTTCTCTTATTTTTCACCTTTCTCTATGAATAGAGTGACTTG-3'